The following is an entry in ClinVar:

NM_000051.4(ATM):c.3933_3934del (p.Glu1313fs)

Gene: ATM (ATM serine/threonine kinase; plus strand). Cytogenetic location: 11q22.3.
Variant type: Deletion.
Coding change: c.3933_3934del on transcript NM_000051.4 (MANE Select); coding-DNA positions 3933 to 3934, 2 bases deleted (AA; older notation c.3933_3934delAA).
Protein change: p.Glu1313fs; shifts the reading frame from glutamic acid 1313.
Molecular consequence: frameshift variant.
Genome position (GRCh38, 1-based): chr11:108,284,413-108,284,414, AA deleted; deleting any 2 consecutive bases within chr11:108,284,412-108,284,414 gives the same sequence; the c. name uses the placement nearest the transcript's 3' end. VCF-style (leftmost placement, unchanged base first): chr11-108284411-CAA-C. GRCh37 (hg19) VCF-style: chr11-108155138-CAA-C.
Other names: c.3933_3934del, p.Glu1313fs (NM_001351834.2); short protein forms E1313fs.
Identifiers: ClinVar variation 856288 (VCV000856288.7), dbSNP rs2082385904, ClinGen allele CA916080008.
Genomic context (GRCh38, chr11:108,284,411, plus strand): 5'-CTTGTAAATATTCTTCCTTATTTTGCCTATGAGGGTACCAGAGACAGTGGGATGGCACAG[CAA>C]AGAGAGACTGCTACCAAGGTCTATGATATGCTTAAAAGTGAAAACTTATTGGGAAAACAG-3'

ClinVar aggregate classification (germline): Pathogenic (1 of 4 stars; one submission).

Conditions:
Ataxia-telangiectasia syndrome (AT). Also called: Ataxia telangiectasia (A-T); Cerebello-oculocutaneous telangiectasia; Immunodeficiency with ataxia telangiectasia; AT, COMPLEMENTATION GROUP C; ATAXIA-TELANGIECTASIA, COMPLEMENTATION GROUP A; ATAXIA-TELANGIECTASIA, FRESNO VARIANT. Identifiers: Orphanet 100, MedGen C0004135, MONDO:0008840, OMIM 208900.

Submission:

Labcorp Genetics (formerly Invitae), Labcorp
Classification: Pathogenic for Ataxia-telangiectasia syndrome. Last evaluated: 2023-11-27. Review status: criteria provided, single submitter. Criteria: Invitae Variant Classification Sherloc (09022015). Collection method: clinical testing. Allele origin: germline.
Comment: This sequence change creates a premature translational stop signal (p.Glu1313Aspfs*7) in the ATM gene. It is expected to result in an absent or disrupted protein product. Loss-of-function variants in ATM are known to be pathogenic (PMID: 23807571, 25614872). This variant is not present in population databases (gnomAD no frequency). This variant has not been reported in the literature in individuals affected with ATM-related conditions. ClinVar contains an entry for this variant (Variation ID: 856288). For these reasons, this variant has been classified as Pathogenic.

Literature cited by the submitters: PubMed 23807571; PubMed 25614872.